The following is an entry in ClinVar:

ClinVar aggregate classification (germline): Uncertain significance. Review status: reviewed by expert panel (3 of 4 stars). 3 submissions from 3 submitters: Uncertain significance (1). 2 of the submissions do not count toward it. Last evaluated 2024-09-16.

Conditions:
Hereditary thrombocytopenia and hematologic cancer predisposition syndrome. Identifiers: Orphanet 71290, MedGen CN281654, MONDO:0011071.
Hereditary thrombocytopenia and hematological cancer predisposition syndrome associated with RUNX1. Also called: Familial Platelet Disorder with Propensity to Acute Myelogenous Leukemia; Familial thrombocytopenia with propensity to acute myelogenous leukemia; PLATELET DISORDER, ASPIRIN-LIKE; RUNX1 Familial Platelet Disorder with Associated Myeloid Malignancies. Identifiers: Orphanet 71290, MedGen C1832388, MeSH C563324, MONDO:0100083, OMIM 601399.
Inborn genetic diseases. Identifiers: MedGen C0950123, MeSH D030342.

Allele frequency attached by ClinVar (database versions not stated): TOPMed below 0.00001; gnomAD 0.00001.

Submissions (3):

ClinGen Myeloid Malignancy Variant Curation Expert Panel
Classification: Uncertain significance for Hereditary thrombocytopenia and hematologic cancer predisposition syndrome. Last evaluated: 2024-09-16. Review status: reviewed by expert panel. Criteria: ClinGen MyeloMalig ACMG Specifications v2. Collection method: curation. Allele origin: germline. Inheritance: Autosomal dominant inheritance.
Comment: NM_001754.5(RUNX1):c.1295G>A (p.Cys432Tyr) is a missense variant which does not meet any ACMG/AMP criteria. In summary, the clinical significance of this variant is uncertain. ACMG/AMP criteria applied, as specified by the Myeloid Malignancy Variant Curation Expert Panel for RUNX1: None.

Ambry Genetics
Classification: Uncertain significance for Inborn genetic diseases. Last evaluated: 2026-03-10. Review status: criteria provided, single submitter. Criteria: Ambry Variant Classification Scheme 2023. Collection method: clinical testing. Allele origin: germline. Not counted in ClinVar's aggregate classification.
Comment: The p.C432Y variant (also known as c.1295G>A), located in coding exon 8 of the RUNX1 gene, results from a G to A substitution at nucleotide position 1295. The cysteine at codon 432 is replaced by tyrosine, an amino acid with highly dissimilar properties. This amino acid position is highly conserved in available vertebrate species. In addition, this alteration is predicted to be deleterious by in silico analysis. Based on the available evidence, the clinical significance of this variant remains unclear.

Labcorp Genetics (formerly Invitae), Labcorp
Classification: Uncertain significance for Hereditary thrombocytopenia and hematological cancer predisposition syndrome associated with RUNX1. Last evaluated: 2023-06-23. Review status: criteria provided, single submitter. Criteria: Invitae Variant Classification Sherloc (09022015). Collection method: clinical testing. Allele origin: germline. Not counted in ClinVar's aggregate classification.
Comment: This sequence change replaces cysteine, which is neutral and slightly polar, with tyrosine, which is neutral and polar, at codon 432 of the RUNX1 protein (p.Cys432Tyr). This variant is not present in population databases (gnomAD no frequency). This variant has not been reported in the literature in individuals affected with RUNX1-related conditions. Advanced modeling of protein sequence and biophysical properties (such as structural, functional, and spatial information, amino acid conservation, physicochemical variation, residue mobility, and thermodynamic stability) performed at Invitae indicates that this missense variant is not expected to disrupt RUNX1 protein function. In summary, the available evidence is currently insufficient to determine the role of this variant in disease. Therefore, it has been classified as a Variant of Uncertain Significance.

NM_001754.5(RUNX1):c.1295G>A (p.Cys432Tyr)

Gene: RUNX1 (RUNX family transcription factor 1; minus strand). Cytogenetic location: 21q22.12.
Variant type: single nucleotide variant.
Coding change: c.1295G>A on transcript NM_001754.5 (MANE Select); coding-DNA position 1295, G replaced by A.
Protein change: p.Cys432Tyr; replaces cysteine 432 with tyrosine.
Molecular consequence: missense variant.
Genome position (GRCh38, 1-based): chr21:34,792,283, C>T on the plus strand (G>A on the coding strand, the complement: RUNX1 is on the minus strand). VCF-style: chr21-34792283-C-T. GRCh37 (hg19) VCF-style: chr21-36164580-C-T.
Other names: NM_001754.5(RUNX1):c.1295G>A; p.Cys432Tyr; c.1214G>A, p.Cys405Tyr (NM_001001890.3); short protein forms C405Y, C432Y.
Identifiers: ClinVar variation 2730931 (VCV002730931.5), dbSNP rs1279963921, ClinGen allele CA410147476.
Genomic context (GRCh38, chr21:34,792,283, plus strand): 5'-ACGTCGCTCTGGTTCGGGAGGCTGGGGTTGAGCAGCGCGGAGCCGGTGGAGGCGTTGGTG[C>T]AGGGCGGCAGGATGCGCGGCGGCGAGCGCTCGCCGCCCACCATGGAGAACTGGTAGGAGC-3'
Protein context (NP_001745.2, residues 422-442): ERSPPRILPP[Cys432Tyr]TNASTGSALL